The following is an entry in ClinVar:

ClinVar aggregate classification (germline): Uncertain significance. Review status: criteria provided, multiple submitters, no conflicts (2 of 4 stars). 5 submissions from 4 submitters: Uncertain significance (4). 1 of the submissions does not count toward it. Last evaluated 2023-05-25.

Conditions:
Autosomal recessive nonsyndromic hearing loss 12. Also called: DEAFNESS, AUTOSOMAL RECESSIVE 12. Identifiers: Orphanet 90636, MedGen C1832394, MONDO:0011067, OMIM 601386.
Usher syndrome type 1D (USH1D). Also called: USHER SYNDROME, TYPE ID. Identifiers: Orphanet 231169, Orphanet 886, MedGen C1832845, MONDO:0010984, OMIM 601067.
Usher syndrome type 1 (USH1). Also called: RETINITIS PIGMENTOSA AND CONGENITAL DEAFNESS. Identifiers: Orphanet 231169, Orphanet 886, MedGen C1568247, MONDO:0010168, OMIM 276900.

Allele frequency attached by ClinVar (database versions not stated): TOPMed 0.00002; ExAC 0.00003; gnomAD exomes 0.00006.
gnomAD v4.1: 28 of 1,613,846 alleles (0.0017%); highest among the groups gnomAD compares: East Asian, 0.011%; 1 homozygote.

Submissions (5):

Blueprint Genetics
Classification: Uncertain significance. Last evaluated: 2023-05-25. Review status: criteria provided, single submitter. Criteria: ACMG Guidelines, 2015. Collection method: clinical testing. Allele origin: germline.

Labcorp Genetics (formerly Invitae), Labcorp
Classification: Uncertain significance. Last evaluated: 2022-06-17. Review status: criteria provided, single submitter. Criteria: Invitae Variant Classification Sherloc (09022015). Collection method: clinical testing. Allele origin: germline.
Comment: This sequence change replaces arginine, which is basic and polar, with cysteine, which is neutral and slightly polar, at codon 2126 of the CDH23 protein (p.Arg2126Cys). This variant is present in population databases (rs776269225, gnomAD 0.03%). This missense change has been observed in individual(s) with clinical features of CDH23-related conditions (PMID: 30733538). ClinVar contains an entry for this variant (Variation ID: 300450). Algorithms developed to predict the effect of missense changes on protein structure and function are either unavailable or do not agree on the potential impact of this missense change (SIFT: "Deleterious"; PolyPhen-2: "Not Available"; Align-GVGD: "Class C65"). In summary, the available evidence is currently insufficient to determine the role of this variant in disease. Therefore, it has been classified as a Variant of Uncertain Significance.

Illumina Laboratory Services, Illumina
Classification: Uncertain significance for Autosomal recessive nonsyndromic hearing loss 12. Last evaluated: 2018-01-13. Review status: criteria provided, single submitter. Criteria: ICSL Variant Classification Criteria 13 December 2019. Collection method: clinical testing. Allele origin: germline.

Illumina Laboratory Services, Illumina
Classification: Uncertain significance for Usher syndrome type 1D. Last evaluated: 2018-01-13. Review status: criteria provided, single submitter. Criteria: ICSL Variant Classification Criteria 13 December 2019. Collection method: clinical testing. Allele origin: germline.

Natera, Inc.
Classification: Uncertain significance for Usher syndrome type 1. Last evaluated: 2021-06-20. Review status: no assertion criteria provided. Collection method: clinical testing. Allele origin: germline. Not counted in ClinVar's aggregate classification.

Literature cited by the submitters: PubMed 30733538 (cited by Labcorp Genetics (formerly Invitae), Labcorp).

NM_022124.6(CDH23):c.6376C>T (p.Arg2126Cys)

Gene: CDH23 (cadherin related 23; plus strand). Cytogenetic location: 10q22.1.
Variant type: single nucleotide variant.
Coding change: c.6376C>T on transcript NM_022124.6 (MANE Select); coding-DNA position 6376, C replaced by T.
Protein change: p.Arg2126Cys; replaces arginine 2126 with cysteine.
Molecular consequence: missense variant.
Genome position (GRCh38, 1-based): chr10:71,793,304, C>T. VCF-style: chr10-71793304-C-T. GRCh37 (hg19) VCF-style: chr10-73553061-C-T.
Other names: short protein forms R2126C.
Identifiers: ClinVar variation 300450 (VCV000300450.10), dbSNP rs776269225, ClinGen allele CA5546064.
Genomic context (GRCh38, chr10:71,793,304, plus strand): 5'-TACCGAATAGAAGCTGGGGCTCAGGACCGCTTCCTCATTCATCTGGTCACCGGGGTCATC[C>T]GTGTTGGTAATGCCACCATCGACAGAGAGGAGCAGGAGTCCTACAGGCTAACGGTGGTGG-3'
Protein context (NP_071407.4, residues 2116-2136): FLIHLVTGVI[Arg2126Cys]VGNATIDREE